The following is an entry in ClinVar:

ClinVar aggregate classification (germline): Uncertain significance (1 of 4 stars; one submission).

Submission:

OLLIN Analises Genomicas, OLLIN
Classification: Uncertain significance. Last evaluated: 2026-08-06. Review status: criteria provided, single submitter. Criteria: ACMG Guidelines 2015 PMID 25741868. Collection method: clinical testing. Allele origin: germline.
Comment: This missense variant, located in exon 11 (of 28), is absent from gnomAD and ClinVar and has not been identified in the literature. In silico analysis predicts that this variant has a tolerated effect. This gene is constrained for missense variation. According to the currently available evidence, this variant has been classified as uncertain significance (PM2_P, PP2, BP4_M).

NM_182641.4(BPTF):c.4952A>G (p.Glu1651Gly)

Gene: BPTF (bromodomain PHD finger transcription factor; plus strand). Cytogenetic location: 17q24.2.
Variant type: single nucleotide variant.
Coding change: c.4952A>G on transcript NM_182641.4 (MANE Select); coding-DNA position 4952, A replaced by G.
Protein change: p.Glu1651Gly; replaces glutamic acid 1651 with glycine.
Molecular consequence: missense variant.
Genome position (GRCh38, 1-based): chr17:67,912,836, A>G. VCF-style: chr17-67912836-A-G. GRCh37 (hg19) VCF-style: chr17-65908952-A-G.
Other names: c.5141A>G, p.Glu1714Gly (NM_001439139.1, NM_001439141.1, NM_001439143.1 and 1 more transcripts); c.5330A>G, p.Glu1777Gly (NM_001439140.1, NM_001439142.1, NM_004459.7); short protein forms E1777G, E1651G, E1714G.
Identifiers: ClinVar variation 5003042 (VCV005003042.1).